The following is an entry in ClinVar:

ClinVar aggregate classification (germline): Uncertain significance. Review status: criteria provided, multiple submitters, no conflicts (2 of 4 stars). 2 submissions from 2 submitters: Uncertain significance (2). Last evaluated 2024-03-08.

Conditions:
Inborn genetic diseases. Identifiers: MedGen C0950123, MeSH D030342.

Allele frequency attached by ClinVar (database versions not stated): ExAC 0.00001; gnomAD 0.00001; gnomAD exomes 0.00001; TOPMed 0.00002.
gnomAD v4.1: 5 of 1,613,754 alleles (0.00031%); highest among the groups gnomAD compares: African/African-American, 0.004%; no homozygotes.

Submissions (2):

Ambry Genetics
Classification: Uncertain significance for Inborn genetic diseases. Last evaluated: 2024-03-08. Review status: criteria provided, single submitter. Criteria: Ambry Variant Classification Scheme 2023. Collection method: clinical testing. Allele origin: germline.

Labcorp Genetics (formerly Invitae), Labcorp
Classification: Uncertain significance. Last evaluated: 2022-07-26. Review status: criteria provided, single submitter. Criteria: Invitae Variant Classification Sherloc (09022015). Collection method: clinical testing. Allele origin: germline.
Comment: This sequence change replaces methionine, which is neutral and non-polar, with threonine, which is neutral and polar, at codon 2069 of the PCLO protein (p.Met2069Thr). This variant is present in population databases (rs781315297, gnomAD 0.007%). This variant has not been reported in the literature in individuals affected with PCLO-related conditions. ClinVar contains an entry for this variant (Variation ID: 1368100). Algorithms developed to predict the effect of missense changes on protein structure and function are either unavailable or do not agree on the potential impact of this missense change (SIFT: "Tolerated"; PolyPhen-2: "Not Available"; Align-GVGD: "Class C0"). In summary, the available evidence is currently insufficient to determine the role of this variant in disease. Therefore, it has been classified as a Variant of Uncertain Significance.

NM_033026.6(PCLO):c.6206T>C (p.Met2069Thr)

Gene: PCLO (piccolo presynaptic cytomatrix protein; minus strand). Cytogenetic location: 7q21.11.
Variant type: single nucleotide variant.
Coding change: c.6206T>C on transcript NM_033026.6 (MANE Select); coding-DNA position 6206, T replaced by C.
Protein change: p.Met2069Thr; replaces methionine 2069 with threonine.
Molecular consequence: missense variant.
Genome position (GRCh38, 1-based): chr7:82,954,747, A>G on the plus strand (T>C on the coding strand, the complement: PCLO is on the minus strand). VCF-style: chr7-82954747-A-G. GRCh37 (hg19) VCF-style: chr7-82584063-A-G.
Other names: c.6206T>C, p.Met2069Thr (NM_014510.3); c.6206T>C (NM_033026.5); short protein forms M2069T.
Identifiers: ClinVar variation 1368100 (VCV001368100.6), dbSNP rs781315297, ClinGen allele CA4320515.
Genomic context (GRCh38, chr7:82,954,747, plus strand): 5'-TCACCAATGGGGGCCTGGGTTGGGCTAGATCCAGGTGTTAATTGCATCTGTTGCCTCTTC[A>G]TAAGTTCTTCATAGGCAGCATCAGCATCTAGTAGTTTCCTTTCTTCTTCTGTAGAAGTTA-3'
Protein context (NP_149015.2, residues 2059-2079): LDADAAYEEL[Met2069Thr]KRQQMQLTPG